The following is an entry in ClinVar:

ClinVar aggregate classification (germline): Conflicting classifications of pathogenicity. Review status: criteria provided, conflicting classifications (1 of 4 stars). 15 submissions from 15 submitters: Pathogenic (1); Likely pathogenic (1); Benign (7); Likely benign (2). 4 of the submissions do not count toward it. Last evaluated 2026-02-02.

Conditions:
Inborn genetic diseases. Identifiers: MedGen C0950123, MeSH D030342.
Mucopolysaccharidosis, MPS-II (MPS2). Also called: Mucopolysaccharidosis type 2; Mucopolysaccharidosis with skin involvement; IDS deficiency; Sulfoiduronate sulfatase deficiency; SIDS deficiency; Attenuated MPS (subtype; formerly known as mild MPS II). Identifiers: Orphanet 580, Orphanet 79388, MedGen C0026705, MONDO:0010674, OMIM 309900.

Allele frequency attached by ClinVar (database versions not stated): gnomAD exomes 0.00140 and 0.00398; 1000 Genomes Project 0.01589; 1000 Genomes Project 30x 0.01644; gnomAD 0.01402 and 0.01492; ESP Exome Variant Server 0.01742; ExAC 0.00506; TOPMed 0.01567.
gnomAD v4.1: 3,151 of 1,210,141 alleles (0.26%); highest among the groups gnomAD compares: African/African-American, 4.8%; 50 homozygotes.

Submissions (15):

Labcorp Genetics (formerly Invitae), Labcorp
Classification: Benign for Mucopolysaccharidosis, MPS-II. Last evaluated: 2026-02-02. Review status: criteria provided, single submitter. Criteria: Invitae Variant Classification Sherloc (09022015). Collection method: clinical testing. Allele origin: germline.

Laboratory of Diagnosis and Therapy of Lysosomal Disorders, University of Padova
Classification: Likely pathogenic for Mucopolysaccharidosis, MPS-II. Last evaluated: 2024-06-07. Review status: criteria provided, single submitter. Criteria: ACMG Guidelines, 2015. Collection method: literature only. Allele origin: germline. Affected: yes. Observed: 1 variant allele.
Comment: Absent from controls (or at low frequency) in gnomAD database (PM2_Moderate), Missense change at the same amino acid residue as a pathogenic variant (PM5_Supporting), Missense variant in a gene with a low rate of benign missense variation (PP2_Supporting), Patient’s phenotype or family history highly specific for the disease (PP4_Moderate), Multiple lines of computational evidence suggest no impact on gene or gene product (BP4_Supporting)

Classification method: ACMG Guidelines [PMID:25741868] with modifications

Genome-Nilou Lab
Classification: Likely benign for Mucopolysaccharidosis, MPS-II. Last evaluated: 2021-09-05. Review status: criteria provided, single submitter. Criteria: ACMG Guidelines, 2015. Collection method: clinical testing. Allele origin: germline. Affected: no.

GeneDx
Classification: Benign. Last evaluated: 2021-05-05. Review status: criteria provided, single submitter. Criteria: GeneDx Variant Classification Process June 2021. Collection method: clinical testing. Allele origin: germline. Affected: yes.
Comment: This variant is associated with the following publications: (PMID: 21605424, 27884173, 27695081, 27896113, 31019283, 32448126)

Mayo Clinic Laboratories, Mayo Clinic
Classification: Benign. Last evaluated: 2020-02-13. Review status: criteria provided, single submitter. Criteria: ACMG Guidelines, 2015. Collection method: clinical testing. Allele origin: germline. Observed: 8 variant alleles.

Dubai Health Genomic Medicine Center, Dubai Health
Classification: Benign for Mucopolysaccharidosis, MPS-II. Last evaluated: 2020-01-02. Review status: criteria provided, single submitter. Criteria: ACMG Guidelines, 2015. Collection method: clinical testing. Allele origin: germline. Affected: yes.

Equipe Genetique des Anomalies du Developpement, Université de Bourgogne
Classification: Likely benign for Mucopolysaccharidosis, MPS-II. Last evaluated: 2018-11-21. Review status: criteria provided, single submitter. Criteria: ACMG Guidelines, 2015. Collection method: clinical testing. Allele origin: unknown.

Women's Health and Genetics/Laboratory Corporation of America, LabCorp
Classification: Benign. Last evaluated: 2017-06-26. Review status: criteria provided, single submitter. Criteria: LabCorp Variant Classification Summary - May 2015. Collection method: clinical testing. Allele origin: germline.
Comment: Variant summary: The IDS c.641C>T (p.Thr214Met) variant involves the alteration of a non-conserved nucleotide and 2/4 in silico tools predict a benign outcome for this variant. This variant was found in 444/87744 control chromosomes (12 homozygotes, 100 hemizygotes) at a frequency of 0.0050602, which is approximately 2 times the estimated maximal expected allele frequency of a pathogenic IDS variant (0.0028868), suggesting this variant is likely a benign polymorphism. A publication, Chkioua_2011, cites the variant in an affected individual, who was homozygous for the pathogenic R88P variant. In addition, multiple clinical diagnostic laboratories classified this variant as benign. Taken together, this variant is classified as benign.

Eurofins Ntd Llc (ga)
Classification: Benign. Last evaluated: 2014-07-08. Review status: criteria provided, single submitter. Criteria: EGL Classification Definitions 2015. Collection method: clinical testing. Allele origin: germline. Observed: 1 variant allele, 1 hemizygote.

Ambry Genetics
Classification: Benign for Inborn genetic diseases. Last evaluated: 2014-06-27. Review status: criteria provided, single submitter. Criteria: Ambry Variant Classification Scheme 2023. Collection method: clinical testing. Allele origin: germline.

IIFP, CONICET-UNLP
Classification: Pathogenic for Mucopolysaccharidosis, MPS-II. Last evaluated: 2010-12-07. Review status: criteria provided, single submitter. Criteria: ACMG Guidelines, 2007. Collection method: research. Allele origin: unknown. Inheritance: X-linked inheritance. Affected: yes. Observed: 1 variant allele.
Comment: And normal activity of another sulfatase ruling out multiple sulfatase deficiency. Both have died because of Hunter disease. Clinical manifestations are: Cifosis, short neck, disostosis multiplex, coarse face, hernia, macroglosia, claw hand, hepatosplenomegaly

Natera, Inc.
Classification: Benign for Mucopolysaccharidosis type II. Last evaluated: 2020-09-16. Review status: no assertion criteria provided. Collection method: clinical testing. Allele origin: germline. Not counted in ClinVar's aggregate classification.

Clinical Genetics, Academic Medical Center
Classification: Benign. Review status: no assertion criteria provided. Collection method: clinical testing. Allele origin: germline. Affected: yes. Study: VKGL Data-share Consensus. Not counted in ClinVar's aggregate classification.

Genome Diagnostics Laboratory, University Medical Center Utrecht
Classification: Benign. Review status: no assertion criteria provided. Collection method: clinical testing. Allele origin: germline. Affected: yes. Study: VKGL Data-share Consensus. Not counted in ClinVar's aggregate classification.

Laboratory of Diagnostic Genome Analysis, Leiden University Medical Center (LUMC)
Classification: Likely benign. Review status: no assertion criteria provided. Collection method: clinical testing. Allele origin: germline. Affected: yes. Study: VKGL Data-share Consensus. Not counted in ClinVar's aggregate classification.

Literature cited by the submitters: PubMed 27896113 (cited by Laboratory of Diagnosis and Therapy of Lysosomal Disorders, University of Padova); PubMed 21639919 (cited by Women's Health and Genetics/Laboratory Corporation of America, LabCorp); DOI 10.1016/j.ymgmr.2014.08.006 (cited by IIFP, CONICET-UNLP).

NM_000202.8(IDS):c.641C>T (p.Thr214Met)

Genes: IDS (iduronate 2-sulfatase; minus strand), LOC106050102 (IDS recombination region; plus strand). Cytogenetic location: Xq28.
Variant type: single nucleotide variant.
Coding change: c.641C>T on transcript NM_000202.8 (MANE Select); coding-DNA position 641, C replaced by T.
Protein change: p.Thr214Met; replaces threonine 214 with methionine.
Molecular consequence: missense variant. On other transcripts: non-coding transcript variant (1).
Genome position (GRCh38, 1-based): chrX:149,498,174, G>A on the plus strand (C>T on the coding strand, the complement: IDS is on the minus strand). VCF-style: chrX-149498174-G-A. GRCh37 (hg19) VCF-style: chrX-148579705-G-A.
Other names: c.371C>T, p.Thr124Met (NM_001166550.4); c.641C>T, p.Thr214Met (NM_006123.5); c.641C>T (NM_000202.4, NM_000202.7); short protein forms T214M, T124M.
Identifiers: ClinVar variation 92622 (VCV000092622.33), dbSNP rs61736892, ClinGen allele CA331784.